The following is an entry in ClinVar:

ClinVar aggregate classification (germline): Uncertain significance. Review status: criteria provided, multiple submitters, no conflicts (2 of 4 stars). 5 submissions from 5 submitters: Uncertain significance (5). Last evaluated 2026-06-24.

Conditions:
Autosomal recessive limb-girdle muscular dystrophy type 2J (LGMDR10). Also called: MUSCULAR DYSTROPHY, LIMB-GIRDLE, AUTOSOMAL RECESSIVE 10; Limb-girdle muscular dystrophy, type 2J. Identifiers: Orphanet 140922, MedGen C1837342, MONDO:0012127, OMIM 608807.
TTN-related disorder. Also called: TTN-related condition; TTN-related disease; TTN-related disorders.
Dilated cardiomyopathy 1G (CMD1G). Identifiers: Orphanet 154, MedGen C1858763, MONDO:0011400, OMIM 604145.

Allele frequency attached by ClinVar (database versions not stated): gnomAD 0.00001; gnomAD exomes 0.00001; TOPMed 0.00001; ExAC 0.00002.
gnomAD v4.1: 11 of 1,613,772 alleles (0.00068%); highest among the groups gnomAD compares: Non-Finnish European, 0.00093%; no homozygotes.

Submissions (5):

PreventionGenetics, part of Exact Sciences
Classification: Uncertain significance for TTN-related condition. Last evaluated: 2026-06-24. Review status: criteria provided, single submitter. Criteria: ACMG Guidelines, 2015. Collection method: clinical testing. Allele origin: germline.
Comment: The TTN c.107900G>A variant is predicted to result in the amino acid substitution p.Gly35967Glu. To our knowledge, this variant has not been reported in the literature. This variant is reported in 0.0027% of alleles in individuals of European (Non-Finnish) descent in gnomAD. At this time, the clinical significance of this variant is uncertain due to the absence of conclusive functional and genetic evidence.

ARUP Laboratories, Molecular Genetics and Genomics, ARUP Laboratories
Classification: Uncertain significance. Last evaluated: 2020-06-25. Review status: criteria provided, single submitter. Criteria: ARUP Molecular Germline Variant Investigation Process. Collection method: clinical testing. Allele origin: germline.
Comment: The c.107900G>A; p.Gly35967Glu variant (rs780316966; ClinVar Variation ID: 535041) is rare in the general population (<1% allele frequency in the Genome Aggregation Database) and has not been reported in the medical literature in association with dilated cardiomyopathy (DCM) or other TTN-related disease. The clinical relevance of rare missense variants in this gene, which are identified on average once per individual sequenced in affected populations (Herman 2012), is not well understood. Yet, evidence suggests that the vast majority of such missense variants do not contribute to the clinical outcome of DCM (Begay 2015). Thus, the clinical significance of the p.Gly35967Glu variant cannot be determined with certainty. REFERENCES Begay RL et al. Role of Titin Missense Variants in Dilated Cardiomyopathy. J Am Heart Assoc. 2015 Nov 13;4(11). Herman DS et al. Truncations of titin causing dilated cardiomyopathy. N Engl J Med. 2012 Feb 16;366(7):619-28. Linke WA and Hamdani N. Gigantic business: titin properties and function through thick and thin. Circ Res 2014; 114(6): 1052-1068.

Revvity Omics, Revvity
Classification: Uncertain significance. Last evaluated: 2019-06-27. Review status: criteria provided, single submitter. Criteria: ACMG Guidelines, 2015. Collection method: clinical testing. Allele origin: germline.

Labcorp Genetics (formerly Invitae), Labcorp
Classification: Uncertain significance for Dilated cardiomyopathy 1G; Autosomal recessive limb-girdle muscular dystrophy type 2J. Last evaluated: 2018-05-18. Review status: criteria provided, single submitter. Criteria: Invitae Variant Classification Sherloc (09022015). Collection method: clinical testing. Allele origin: germline.
Comment: This sequence change replaces glycine with glutamic acid at codon 35967 of the TTN protein (p.Gly35967Glu). The glycine residue is highly conserved and there is a moderate physicochemical difference between glycine and glutamic acid. This variant is present in population databases (rs780316966, ExAC 0.003%). This variant has not been reported in the literature in individuals with TTN-related disease. This variant identified in the TTN gene is located in the M band of the resulting protein (PMID: 25589632). It is unclear how this variant impacts the function of this protein. Algorithms developed to predict the effect of missense changes on protein structure and function are unavailable for the TTN gene In summary, the available evidence is currently insufficient to determine the role of this variant in disease. Therefore, it has been classified as a Variant of Uncertain Significance.

CUBI - Core Unit Bioinformatics, Berlin Institute of Health
Classification: Uncertain significance for Autosomal recessive limb-girdle muscular dystrophy type 2J. Review status: criteria provided, single submitter. Criteria: ACMG Guidelines, 2015. Collection method: clinical testing. Allele origin: germline. Affected: yes. Observed: 1 variant allele.

Literature cited by the submitters: PubMed 25589632 (cited by Labcorp Genetics (formerly Invitae), Labcorp).

NM_001267550.2(TTN):c.107900G>A (p.Gly35967Glu)

Genes: TTN (titin; minus strand), TTN-AS1 (TTN antisense RNA 1; plus strand). Cytogenetic location: 2q31.2.
Variant type: single nucleotide variant.
Coding change: c.107900G>A on transcript NM_001267550.2 (MANE Select); coding-DNA position 107900, G replaced by A.
Protein change: p.Gly35967Glu; replaces glycine 35967 with glutamic acid.
Molecular consequence: missense variant.
Genome position (GRCh38, 1-based): chr2:178,527,088, C>T on the plus strand (G>A on the coding strand, the complement: TTN is on the minus strand). VCF-style: chr2-178527088-C-T. GRCh37 (hg19) VCF-style: chr2-179391815-C-T.
Other names: c.102977G>A, p.Gly34326Glu (NM_001256850.1); c.80705G>A, p.Gly26902Glu (NM_003319.4); c.100196G>A, p.Gly33399Glu (NM_133378.4); c.81080G>A, p.Gly27027Glu (NM_133432.3); c.81281G>A, p.Gly27094Glu (NM_133437.4); short protein forms G35967E, G27094E, G34326E, G33399E, G26902E, G27027E.
Identifiers: ClinVar variation 535041 (VCV000535041.61), dbSNP rs780316966, ClinGen allele CA1984860.
Genomic context (GRCh38, chr2:178,527,088, plus strand): 5'-TGTATATTCACAGTGGCAGAGTCAGATCCAAATTCATTCCCTAAACTCAGGGTATAAAGT[C>T]CACCATCTTGTTTCTGTACGTCCATGATGATCAGGGTTGTCAGGTCATCTGTGTTTTCAA-3'
Protein context (NP_001254479.2, residues 35957-35977): IIMDVQKQDG[Gly35967Glu]LYTLSLGNEF